The following is an entry in ClinVar:

ClinVar aggregate classification (germline): Pathogenic. Review status: criteria provided, multiple submitters, no conflicts (2 of 4 stars). 6 submissions from 6 submitters: Pathogenic (2). 4 of the submissions do not count toward it. Last evaluated 2024-08-06.

Conditions:
Breast and/or ovarian cancer. Identifiers: MedGen CN221562.
Hereditary cancer-predisposing syndrome. Also called: Tumor predisposition; Neoplastic Syndromes, Hereditary; Hereditary neoplastic syndrome; Hereditary Cancer Syndrome. Identifiers: Orphanet 140162, MedGen C0027672, MeSH D009386, MONDO:0015356.
Hereditary breast ovarian cancer syndrome. Also called: Hereditary breast and ovarian cancer; Hereditary breast and ovarian cancer syndrome (HBOC); Hereditary breast and/or ovarian cancer syndrome; Breast and ovarian cancer; Hereditary breast and ovarian cancer syndrome; BRCA1- and BRCA2-Associated Hereditary Breast and Ovarian Cancer. Identifiers: Orphanet 145, MedGen C0677776, MeSH D061325, MONDO:0003582. Disease mechanism: loss of function.
Breast-ovarian cancer, familial, susceptibility to, 2 (BROVCA2). Also called: BRCA2 Hereditary Breast and Ovarian Cancer. Identifiers: Orphanet 145, MedGen C2675520, MONDO:0012933, OMIM 612555. Disease mechanism: loss of function.

Submissions (6):

Ambry Genetics
Classification: Pathogenic for Hereditary cancer-predisposing syndrome. Last evaluated: 2024-08-06. Review status: criteria provided, single submitter. Criteria: Ambry Variant Classification Scheme 2023. Collection method: clinical testing. Allele origin: germline.
Comment: The p.M1? pathogenic mutation (also known as c.3G>T) is located in coding exon 1 of the BRCA2 gene and results from a G to T substitution at nucleotide position 3. This alters the methionine residue at the initiation codon (ATG). This variant is considered to be rare based on population cohorts in the Genome Aggregation Database (gnomAD). Sequence variations that modify the initiation codon are expected to result in either loss of translation initiation, N-terminal truncation, or cause a shift in the mRNA reading frame. Based on the supporting evidence, this variant is interpreted as a disease-causing mutation.

Labcorp Genetics (formerly Invitae), Labcorp
Classification: Pathogenic for Hereditary breast ovarian cancer syndrome. Last evaluated: 2018-03-08. Review status: criteria provided, single submitter. Criteria: Invitae Variant Classification Sherloc (09022015). Collection method: clinical testing. Allele origin: germline.
Comment: While this variant is expected to result in an absent protein product, possible rescue of translational initiation by the downstream methionine would lead to the disruption of the N-terminal part of the BRCA2 protein that interacts with PALB2 (residues 18-40), which is critical for BRCA2-mediated homologous recombinational DNA repair (PMID: 16793542, 22678057, 19369211). For these reasons, this variant has been classified as Pathogenic. A different variant (c.3G>A) affecting the same codon observed here (initiator codon) has been reported in individuals affected with breast and/or ovarian cancer (PMID: 21203900, 21769658, 20104584), indicating that this residue may be critical for protein function. This variant has been reported in individuals affected with breast cancer (PMID: 26287763). ClinVar contains an entry for this variant (Variation ID: 37871). This variant is not present in population databases (ExAC no frequency). This sequence change affects the initiator methionine of the BRCA2 mRNA. The next in-frame methionine is located at codon 124, which could potentially rescue translational initiation.

Research Molecular Genetics Laboratory, Women's College Hospital, University of Toronto
Classification: Pathogenic for Hereditary breast ovarian cancer syndrome. Last evaluated: 2014-01-31. Review status: no assertion criteria provided. Collection method: research. Allele origin: germline. Affected: yes. Study: The Canadian Open Genetics Repository (COGR). Not counted in ClinVar's aggregate classification.

Sharing Clinical Reports Project (SCRP)
Classification: Pathogenic for Breast-ovarian cancer, familial 2. Last evaluated: 2008-09-25. Review status: no assertion criteria provided. Collection method: clinical testing. Allele origin: germline. Not counted in ClinVar's aggregate classification.

Foulkes Cancer Genetics LDI, Lady Davis Institute for Medical Research
Classification: Likely pathogenic for Breast and/or ovarian cancer. Last evaluated: 2005-12-13. Review status: no assertion criteria provided. Collection method: clinical testing. Allele origin: germline. Study: The Canadian Open Genetics Repository (COGR). Not counted in ClinVar's aggregate classification.

Breast Cancer Information Core (BIC) (BRCA2)
Classification: Pathogenic for Breast-ovarian cancer, familial 2. Last evaluated: 2002-05-29. Review status: no assertion criteria provided. Collection method: clinical testing. Allele origin: germline. Affected: yes. Observed: 2 variant alleles. Not counted in ClinVar's aggregate classification.

Literature cited by the submitters: PubMed 16793542 (cited by Labcorp Genetics (formerly Invitae), Labcorp); PubMed 22678057 (cited by Labcorp Genetics (formerly Invitae), Labcorp); PubMed 19369211 (cited by Labcorp Genetics (formerly Invitae), Labcorp); PubMed 21203900 (cited by Labcorp Genetics (formerly Invitae), Labcorp); PubMed 21769658 (cited by Labcorp Genetics (formerly Invitae), Labcorp); PubMed 20104584 (cited by Labcorp Genetics (formerly Invitae), Labcorp); PubMed 26287763 (cited by Labcorp Genetics (formerly Invitae), Labcorp).

NM_000059.4(BRCA2):c.3G>T (p.Met1Ile)

Gene: BRCA2 (BRCA2 DNA repair associated; plus strand). Cytogenetic location: 13q13.1.
Variant type: single nucleotide variant.
Coding change: c.3G>T on transcript NM_000059.4 (MANE Select); coding-DNA position 3, G replaced by T.
Protein change: p.Met1Ile; changes the start codon (methionine 1).
Molecular consequence: missense variant, initiator codon variant.
Genome position (GRCh38, 1-based): chr13:32,316,463, G>T. VCF-style: chr13-32316463-G-T. GRCh37 (hg19) VCF-style: chr13-32890600-G-T.
Other names: 231G>T; short protein forms M1I.
Identifiers: ClinVar variation 37871 (VCV000037871.12), dbSNP rs80358650, ClinGen allele CA019369.